The following is an entry in ClinVar:

ClinVar aggregate classification (germline): Uncertain significance (1 of 4 stars; one submission).

Submission:

Labcorp Genetics (formerly Invitae), Labcorp
Classification: Uncertain significance. Last evaluated: 2022-09-27. Review status: criteria provided, single submitter. Criteria: Invitae Variant Classification Sherloc (09022015). Collection method: clinical testing. Allele origin: germline.
Comment: In summary, the available evidence is currently insufficient to determine the role of this variant in disease. Therefore, it has been classified as a Variant of Uncertain Significance. Algorithms developed to predict the effect of missense changes on protein structure and function are either unavailable or do not agree on the potential impact of this missense change (SIFT: "Deleterious"; PolyPhen-2: "Probably Damaging"; Align-GVGD: "Class C0"). This variant has not been reported in the literature in individuals affected with ADGRV1-related conditions. This variant is not present in population databases (gnomAD no frequency). This sequence change replaces glycine, which is neutral and non-polar, with cysteine, which is neutral and slightly polar, at codon 6286 of the ADGRV1 protein (p.Gly6286Cys).

NM_032119.4(ADGRV1):c.18856G>T (p.Gly6286Cys)

Gene: ADGRV1 (adhesion G protein-coupled receptor V1; plus strand). Cytogenetic location: 5q14.3.
Variant type: single nucleotide variant.
Coding change: c.18856G>T on transcript NM_032119.4 (MANE Select); coding-DNA position 18856, G replaced by T.
Protein change: p.Gly6286Cys; replaces glycine 6286 with cysteine.
Molecular consequence: missense variant. On other transcripts: non-coding transcript variant (1).
Genome position (GRCh38, 1-based): chr5:91,163,835, G>T. VCF-style: chr5-91163835-G-T. GRCh37 (hg19) VCF-style: chr5-90459652-G-T.
Other names: short protein forms G6286C.
Identifiers: ClinVar variation 1714913 (VCV001714913.5), dbSNP rs1256850968, ClinGen allele CA360432950.